The following is an entry in ClinVar:

NM_001211.6(BUB1B):c.234G>T (p.Trp78Cys)

Gene: BUB1B (BUB1 mitotic checkpoint serine/threonine kinase B; plus strand). Cytogenetic location: 15q15.1.
Variant type: single nucleotide variant.
Coding change: c.234G>T on transcript NM_001211.6 (MANE Select); coding-DNA position 234, G replaced by T.
Protein change: p.Trp78Cys; replaces tryptophan 78 with cysteine.
Molecular consequence: missense variant.
Genome position (GRCh38, 1-based): chr15:40,170,116, G>T. VCF-style: chr15-40170116-G-T. GRCh37 (hg19) VCF-style: chr15-40462317-G-T.
Other names: c.234G>T (NM_001211.5); short protein forms W78C.
Identifiers: ClinVar variation 1035539 (VCV001035539.12), dbSNP rs760085736, ClinGen allele CA7475414.

ClinVar aggregate classification (germline): Uncertain significance. Review status: criteria provided, multiple submitters, no conflicts (2 of 4 stars). 4 submissions from 4 submitters: Uncertain significance (4). Last evaluated 2023-06-22.

Conditions:
Mosaic variegated aneuploidy syndrome 1 (MVA1). Also called: Warburton-Anyane-Yeboa syndrome. Identifiers: Orphanet 1052, MedGen C1850343, MONDO:0009759, OMIM 257300.
Premature chromatid separation trait (PCS). Also called: TOTAL PREMATURE CHROMATID SEPARATION TRAIT. Identifiers: MedGen C1864389, MONDO:0008304, OMIM 176430.
Colorectal cancer. Also called: Colorectal cancer, somatic; Malignant Colorectal Neoplasm. Identifiers: MedGen C0346629, MONDO:0005575, OMIM 114500.
Inborn genetic diseases. Identifiers: MedGen C0950123, MeSH D030342.

Allele frequency attached by ClinVar (database versions not stated): ExAC 0.00001; gnomAD 0.00001; gnomAD exomes 0.00001.
gnomAD v4.1: 8 of 1,612,440 alleles (0.0005%); highest among the groups gnomAD compares: Admixed American, 0.01%; no homozygotes.

Submissions (4):

St. Jude Molecular Pathology, St. Jude Children's Research Hospital
Classification: Uncertain significance for Mosaic variegated aneuploidy syndrome 1. Last evaluated: 2023-06-22. Review status: criteria provided, single submitter. Criteria: St. Jude Assertion Criteria 2020. Collection method: clinical testing. Allele origin: germline.
Comment: The BUB1B c.234G>T (p.Trp78Cys) missense change has a maximum subpopulation frequency of 0.008% in gnomAD v2.1.1. The in silico tool REVEL predicts a deleterious effect on protein function, but to our knowledge this prediction has not been confirmed by functional studies. To our knowledge, this variant has not been reported in individuals with mosaic variegated aneuploidy syndrome. In summary, the evidence currently available is insufficient to determine the role of this variant in mosaic variegated aneuploidy syndrome. It has therefore been classified as of uncertain significance.

Labcorp Genetics (formerly Invitae), Labcorp
Classification: Uncertain significance for Mosaic variegated aneuploidy syndrome 1. Last evaluated: 2023-01-15. Review status: criteria provided, single submitter. Criteria: Invitae Variant Classification Sherloc (09022015). Collection method: clinical testing. Allele origin: germline.
Comment: In summary, the available evidence is currently insufficient to determine the role of this variant in disease. Therefore, it has been classified as a Variant of Uncertain Significance. Algorithms developed to predict the effect of missense changes on protein structure and function are either unavailable or do not agree on the potential impact of this missense change (SIFT: "Deleterious"; PolyPhen-2: "Probably Damaging"; Align-GVGD: "Class C0"). ClinVar contains an entry for this variant (Variation ID: 1035539). This variant has not been reported in the literature in individuals affected with BUB1B-related conditions. This variant is present in population databases (rs760085736, gnomAD 0.009%). This sequence change replaces tryptophan, which is neutral and slightly polar, with cysteine, which is neutral and slightly polar, at codon 78 of the BUB1B protein (p.Trp78Cys).

Ambry Genetics
Classification: Uncertain significance for Inborn genetic diseases. Last evaluated: 2022-11-19. Review status: criteria provided, single submitter. Criteria: Ambry Variant Classification Scheme 2023. Collection method: clinical testing. Allele origin: germline.
Comment: The p.W78C variant (also known as c.234G>T), located in coding exon 3 of the BUB1B gene, results from a G to T substitution at nucleotide position 234. The tryptophan at codon 78 is replaced by cysteine, an amino acid with highly dissimilar properties. This amino acid position is conserved. In addition, this alteration is predicted to be deleterious by in silico analysis. Since supporting evidence is limited at this time, the clinical significance of this alteration remains unclear.

Fulgent Genetics
Classification: Uncertain significance for Colorectal cancer; Premature chromatid separation trait; Mosaic variegated aneuploidy syndrome 1. Last evaluated: 2022-03-28. Review status: criteria provided, single submitter. Criteria: ACMG Guidelines, 2015. Collection method: clinical testing. Allele origin: unknown.